The following is an entry in ClinVar:

NM_002049.4(GATA1):c.1232T>C (p.Leu411Pro)

Gene: GATA1 (GATA binding protein 1; plus strand). Cytogenetic location: Xp11.23.
Variant type: single nucleotide variant.
Coding change: c.1232T>C on transcript NM_002049.4 (MANE Select); coding-DNA position 1232, T replaced by C.
Protein change: p.Leu411Pro; replaces leucine 411 with proline.
Molecular consequence: missense variant.
Genome position (GRCh38, 1-based): chrX:48,794,154, T>C. VCF-style: chrX-48794154-T-C. GRCh37 (hg19) VCF-style: chrX-48652561-T-C.
Other names: short protein forms L411P.
Identifiers: ClinVar variation 1025254 (VCV001025254.16), dbSNP rs1460124191, ClinGen allele CA412872768.
Genomic context (GRCh38, chrX:48,794,154, plus strand): 5'-CGGGCTCCTTCCCCACAGGCCCCATGCCCCCCACCACCAGCACTACTGTGGTGGCTCCGC[T>C]CAGCTCATGAGGGCACAGAGCATGGCCTCCAGAGGAGGGGTGGTGTCCTTCTCCTCTTGT-3'
Protein context (NP_002040.1, residues 401-413): PTTSTTVVAP[Leu411Pro]SS

ClinVar aggregate classification (germline): Uncertain significance (1 of 4 stars; one submission).

Conditions:
Diamond-Blackfan anemia. Also called: Blackfan Diamond syndrome; Aregenerative anemia chronic congenital; Red cell aplasia, pure hereditary; Congenital hypoplastic anemia; Aase syndrome. Identifiers: Orphanet 124, MedGen C1260899, MeSH D029503, MONDO:0015253, HP:0004810.
GATA binding protein 1 related thrombocytopenia with dyserythropoiesis. Also called: GATA1-Related X-Linked Cytopenia; GATA1-Related Cytopenia. Identifiers: MedGen C1845837, MONDO:0100089.

Allele frequency attached by ClinVar (database versions not stated): gnomAD exomes 0.00001 and 0.00002; TOPMed 0.00002.
gnomAD v4.1: 18 of 1,181,719 alleles (0.0015%); highest among the groups gnomAD compares: Non-Finnish European, 0.002%; no homozygotes.

Submission:

Labcorp Genetics (formerly Invitae), Labcorp
Classification: Uncertain significance for GATA binding protein 1 related thrombocytopenia with dyserythropoiesis; Diamond-Blackfan anemia. Last evaluated: 2022-01-28. Review status: criteria provided, single submitter. Criteria: Invitae Variant Classification Sherloc (09022015). Collection method: clinical testing. Allele origin: germline.
Comment: This variant has not been reported in the literature in individuals affected with GATA1-related conditions. ClinVar contains an entry for this variant (Variation ID: 1025254). Algorithms developed to predict the effect of missense changes on protein structure and function are either unavailable or do not agree on the potential impact of this missense change (SIFT: "Tolerated"; PolyPhen-2: "Probably Damaging"; Align-GVGD: "Class C0"). In summary, the available evidence is currently insufficient to determine the role of this variant in disease. Therefore, it has been classified as a Variant of Uncertain Significance. The frequency data for this variant in the population databases is considered unreliable, as metrics indicate poor data quality at this position in the gnomAD database. This sequence change replaces leucine, which is neutral and non-polar, with proline, which is neutral and non-polar, at codon 411 of the GATA1 protein (p.Leu411Pro).